The following is an entry in ClinVar:

NM_015634.4(KIFBP):c.1622G>A (p.Arg541His)

Gene: KIFBP (kinesin family binding protein; plus strand). Cytogenetic location: 10q22.1.
Variant type: single nucleotide variant.
Coding change: c.1622G>A on transcript NM_015634.4 (MANE Select); coding-DNA position 1622, G replaced by A.
Protein change: p.Arg541His; replaces arginine 541 with histidine.
Molecular consequence: missense variant.
Genome position (GRCh38, 1-based): chr10:69,016,172, G>A. VCF-style: chr10-69016172-G-A. GRCh37 (hg19) VCF-style: chr10-70775928-G-A.
Other names: short protein forms R541H.
Identifiers: ClinVar variation 447658 (VCV000447658.6), dbSNP rs368405054, ClinGen allele CA5529928.

ClinVar aggregate classification (germline): Uncertain significance. Review status: criteria provided, multiple submitters, no conflicts (2 of 4 stars). 3 submissions from 3 submitters: Uncertain significance (3). Last evaluated 2025-08-22.

Allele frequency attached by ClinVar (database versions not stated): gnomAD 0.00004; gnomAD exomes 0.00004 and 0.00007; ExAC 0.00006; ESP Exome Variant Server 0.00008; TOPMed 0.00010.

Submissions (3):

Ambry Genetics
Classification: Uncertain significance. Last evaluated: 2025-08-22. Review status: criteria provided, single submitter. Criteria: Ambry Variant Classification Scheme 2023. Collection method: clinical testing. Allele origin: germline.

Labcorp Genetics (formerly Invitae), Labcorp
Classification: Uncertain significance. Last evaluated: 2022-05-31. Review status: criteria provided, single submitter. Criteria: Invitae Variant Classification Sherloc (09022015). Collection method: clinical testing. Allele origin: germline.
Comment: This sequence change replaces arginine, which is basic and polar, with histidine, which is basic and polar, at codon 541 of the KIF1BP protein (p.Arg541His). This variant is present in population databases (rs368405054, gnomAD 0.03%). This variant has not been reported in the literature in individuals affected with KIF1BP-related conditions. ClinVar contains an entry for this variant (Variation ID: 447658). Algorithms developed to predict the effect of missense changes on protein structure and function (SIFT, PolyPhen-2, Align-GVGD) all suggest that this variant is likely to be disruptive. In summary, the available evidence is currently insufficient to determine the role of this variant in disease. Therefore, it has been classified as a Variant of Uncertain Significance.

Athena Diagnostics
Classification: Uncertain significance. Last evaluated: 2017-02-03. Review status: criteria provided, single submitter. Criteria: Athena Diagnostics Criteria. Collection method: clinical testing. Allele origin: germline.